The following is an entry in ClinVar:

ClinVar aggregate classification (germline): Uncertain significance. Review status: criteria provided, single submitter (1 of 4 stars). 2 submissions from 2 submitters: Uncertain significance (1). 1 of the submissions does not count toward it. Last evaluated 2021-07-31.

Conditions:
Muscular dystrophy-dystroglycanopathy (congenital with brain and eye anomalies), type A3. Also called: Congenital muscular dystrophy-dystroglycanopathy with brain and eye anomalies, type A3; Muscular dystrophy-dystroglycanopathy (congenital with brain and eye anomalies), type A, 3; WALKER-WARBURG SYNDROME OR MUSCLE-EYE-BRAIN DISEASE, POMGNT1-RELATED. Identifiers: MedGen C3151519, MONDO:0009667, OMIM 253280.
Muscular dystrophy-dystroglycanopathy (congenital with impaired intellectual development), type B, 3. Also called: Muscular dystrophy-dystroglycanopathy (congenital with intellectual disability), type B3; MUSCULAR DYSTROPHY, CONGENITAL, POMGNT1-RELATED. Identifiers: MedGen C3150412, MONDO:0013155, OMIM 613151.
Autosomal recessive limb-girdle muscular dystrophy type 2O. Also called: Limb-Girdle Muscular Dystrophy Type 3C; MUSCULAR DYSTROPHY-DYSTROGLYCANOPATHY (LIMB-GIRDLE), TYPE C, 3; MUSCULAR DYSTROPHY-DYSTROGLYCANOPATHY, LIMB-GIRDLE, POMGNT1-RELATED. Identifiers: Orphanet 206564, MedGen C3150417, MONDO:0013161, OMIM 613157.

Allele frequency attached by ClinVar (database versions not stated): TOPMed below 0.00001; ExAC 0.00001; gnomAD exomes below 0.00001; gnomAD 0.00001; ESP Exome Variant Server 0.00008.
gnomAD v4.1: 2 of 1,613,542 alleles (0.00012%); highest among the groups gnomAD compares: African/African-American, 0.0013%; no homozygotes.

Submissions (2):

Labcorp Genetics (formerly Invitae), Labcorp
Classification: Uncertain significance for Autosomal recessive limb-girdle muscular dystrophy type 2O; Muscular dystrophy-dystroglycanopathy (congenital with impaired intellectual development), type B, 3. Last evaluated: 2021-07-31. Review status: criteria provided, single submitter. Criteria: Invitae Variant Classification Sherloc (09022015). Collection method: clinical testing. Allele origin: germline.
Comment: This variant has not been reported in the literature in individuals affected with POMGNT1-related conditions. This variant is present in population databases (rs377170894, ExAC 0.002%). This sequence change replaces leucine with proline at codon 622 of the POMGNT1 protein (p.Leu622Pro). The leucine residue is moderately conserved and there is a moderate physicochemical difference between leucine and proline. ClinVar contains an entry for this variant (Variation ID: 551020). In summary, the available evidence is currently insufficient to determine the role of this variant in disease. Therefore, it has been classified as a Variant of Uncertain Significance. Algorithms developed to predict the effect of missense changes on protein structure and function are either unavailable or do not agree on the potential impact of this missense change (SIFT: "Tolerated"; PolyPhen-2: "Probably Damaging"; Align-GVGD: "Class C0").

Counsyl
Classification: Uncertain significance for Muscular dystrophy-dystroglycanopathy (congenital with brain and eye anomalies), type A3. Last evaluated: 2017-03-15. Review status: no assertion criteria provided. Collection method: clinical testing. Allele origin: unknown. Not counted in ClinVar's aggregate classification.

NM_017739.4(POMGNT1):c.1865T>C (p.Leu622Pro)

Genes: POMGNT1 (protein O-linked mannose N-acetylglucosaminyltransferase 1 (beta 1,2-); minus strand), TSPAN1 (tetraspanin 1; plus strand). Cytogenetic location: 1p34.1.
Variant type: single nucleotide variant.
Coding change: c.1865T>C on transcript NM_017739.4 (MANE Select); coding-DNA position 1865, T replaced by C.
Protein change: p.Leu622Pro; replaces leucine 622 with proline.
Molecular consequence: missense variant.
Genome position (GRCh38, 1-based): chr1:46,189,488, A>G on the plus strand (T>C on the coding strand, the complement: POMGNT1 is on the minus strand). VCF-style: chr1-46189488-A-G. GRCh37 (hg19) VCF-style: chr1-46655160-A-G.
Other names: c.1865T>C, p.Leu622Pro (NM_001243766.2, NM_001410783.1); c.1799T>C, p.Leu600Pro (NM_001290129.3); c.1436T>C, p.Leu479Pro (NM_001290130.2); short protein forms L622P, L600P, L479P.
Identifiers: ClinVar variation 551020 (VCV000551020.8), dbSNP rs377170894, ClinGen allele CA833213.